The following is an entry in ClinVar:

ClinVar aggregate classification (germline): Uncertain significance. Review status: criteria provided, multiple submitters, no conflicts (2 of 4 stars). 2 submissions from 2 submitters: Uncertain significance (2). Last evaluated 2025-07-31.

Allele frequency attached by ClinVar (database versions not stated): gnomAD exomes 0.00001; ExAC 0.00007; gnomAD 0.00011; TOPMed 0.00011; 1000 Genomes Project 30x 0.00016; 1000 Genomes Project 0.00020.
gnomAD v4.1: 34 of 1,573,516 alleles (0.0022%); highest among the groups gnomAD compares: African/African-American, 0.026%; no homozygotes.

Submissions (2):

Labcorp Genetics (formerly Invitae), Labcorp
Classification: Uncertain significance. Last evaluated: 2025-07-31. Review status: criteria provided, single submitter. Criteria: Invitae Variant Classification Sherloc (09022015). Collection method: clinical testing. Allele origin: germline.
Comment: This sequence change replaces glutamic acid, which is acidic and polar, with lysine, which is basic and polar, at codon 507 of the LSR protein (p.Glu507Lys). The frequency data for this variant in the population databases is considered unreliable, as metrics indicate poor data quality at this position in the gnomAD database. This variant has not been reported in the literature in individuals affected with LSR-related conditions. ClinVar contains an entry for this variant (Variation ID: 1924362). An algorithm developed to predict the effect of missense changes on protein structure and function (PolyPhen-2) suggests that this variant is likely to be disruptive. In summary, the available evidence is currently insufficient to determine the role of this variant in disease. Therefore, it has been classified as a Variant of Uncertain Significance.

Ambry Genetics
Classification: Uncertain significance. Last evaluated: 2022-07-08. Review status: criteria provided, single submitter. Criteria: Ambry Variant Classification Scheme 2023. Collection method: clinical testing. Allele origin: germline.

NM_205834.4(LSR):c.1375G>A (p.Glu459Lys)

Gene: LSR (lipolysis stimulated lipoprotein receptor; plus strand). Cytogenetic location: 19q13.12.
Variant type: single nucleotide variant.
Coding change: c.1375G>A on transcript NM_205834.4 (MANE Select); coding-DNA position 1375, G replaced by A.
Protein change: p.Glu459Lys; replaces glutamic acid 459 with lysine.
Molecular consequence: missense variant.
Genome position (GRCh38, 1-based): chr19:35,267,339, G>A. VCF-style: chr19-35267339-G-A. GRCh37 (hg19) VCF-style: chr19-35758242-G-A.
Other names: c.1315G>A, p.Glu439Lys (NM_001260489.2); c.1051G>A, p.Glu351Lys (NM_001260490.2); c.1168G>A, p.Glu390Lys (NM_001385215.1); c.1318G>A, p.Glu440Lys (NM_015925.7); c.1171G>A, p.Glu391Lys (NM_205835.4); short protein forms E390K, E391K, E439K, E440K, E459K, E351K.
Identifiers: ClinVar variation 1924362 (VCV001924362.6), dbSNP rs546886615, ClinGen allele CA9375080.